The following is an entry in ClinVar:

NM_005159.5(ACTC1):c.809-58TG[13]

Genes: ACTC1 (actin alpha cardiac muscle 1; minus strand), GJD2-DT (GJD2 divergent transcript; plus strand). Cytogenetic location: 15q14.
Variant type: Microsatellite.
Coding change: c.809-58TG[13] on transcript NM_005159.5 (MANE Select); 13 copies in a row of the 2-base unit TG starting at c.809-58; the reference has 23 copies in a row; ten copies, 20 bases deleted.
Molecular consequence: intron variant.
Genome position (GRCh38, 1-based): chr15:34,791,308-34,791,327, CACACACACACACACACACA deleted on the plus strand (TGTGTGTGTGTGTGTGTGTG on the coding strand, the reverse complement: ACTC1 is on the minus strand); deleting any 20 consecutive bases within chr15:34,791,308-34,791,353 gives the same sequence; the position shown is the placement nearest the transcript's 3' end. VCF-style (leftmost placement, unchanged base first): chr15-34791307-TCACACACACACACACACACA-T. GRCh37 (hg19) VCF-style: chr15-35083508-TCACACACACACACACACACA-T.
Other names: c.809-32_809-13del20 (NM_005159.5).
Identifiers: ClinVar variation 1665156 (VCV001665156.16), dbSNP rs59431308, ClinGen allele CA489419155.

ClinVar aggregate classification (germline): Benign/Likely benign. Review status: criteria provided, multiple submitters, no conflicts (2 of 4 stars). 6 submissions from 6 submitters: Benign (1); Likely benign (4). 1 of the submissions does not count toward it. Last evaluated 2026-02-03.

Conditions:
Dilated cardiomyopathy 1R (CMD1R). Identifiers: Orphanet 154, Orphanet 54260, MedGen C3150681, MONDO:0013261, OMIM 613424.
Hypertrophic cardiomyopathy 11. Also called: ACTC1-Related Familial Hypertrophic Cardiomyopathy. Identifiers: MedGen C2677506, MONDO:0012799, OMIM 612098.
Atrial septal defect 5 (ASD5). Identifiers: Orphanet 1478, MedGen C2748552, MONDO:0013011, OMIM 612794.
ACTC1-related disorder. Also called: ACTC1-related condition.
Cardiovascular phenotype. Identifiers: MedGen CN230736.

Submissions (6):

Labcorp Genetics (formerly Invitae), Labcorp
Classification: Likely benign for Dilated cardiomyopathy 1R; Hypertrophic cardiomyopathy 11; Atrial septal defect 5. Last evaluated: 2026-02-03. Review status: criteria provided, single submitter. Criteria: Invitae Variant Classification Sherloc (09022015). Collection method: clinical testing. Allele origin: germline.

Women's Health and Genetics/Laboratory Corporation of America, LabCorp
Classification: Likely benign. Last evaluated: 2026-01-19. Review status: criteria provided, single submitter. Criteria: LabCorp Variant Classification Summary - May 2015. Collection method: clinical testing. Allele origin: germline.
Comment: Variant summary: ACTC1 c.809-32_809-13del20 alters a nucleotide located at a position not widely known to affect splicing. Consensus agreement among computation tools predict no significant impact on normal splicing. However, these predictions have yet to be confirmed by functional studies. The variant allele was found at a frequency of 0.0038 in 1298876 control chromosomes. The observed variant frequency exceeds the estimated maximal expected allele frequency for disease-causing variants in ACTC1, however this observation needs to be cautiously considered since the region is associated with low complexity flags in the gnomAD database. To our knowledge, no occurrence of c.809-32_809-13del20 in individuals affected with ACTC1-related conditions and no experimental evidence demonstrating its impact on protein function have been reported. ClinVar contains an entry for this variant (Variation ID: 1665156). Based on the evidence outlined above, the variant was classified as likely benign.

ARUP Laboratories, Molecular Genetics and Genomics, ARUP Laboratories
Classification: Likely benign. Last evaluated: 2025-05-30. Review status: criteria provided, single submitter. Criteria: ARUP Molecular Germline Variant Investigation Process 2024. Collection method: clinical testing. Allele origin: germline.

Blueprint Genetics
Classification: Benign. Last evaluated: 2024-11-25. Review status: criteria provided, single submitter. Criteria: ACMG Guidelines, 2015. Collection method: clinical testing. Allele origin: germline.

Ambry Genetics
Classification: Likely benign for Cardiovascular phenotype. Last evaluated: 2015-09-03. Review status: criteria provided, single submitter. Criteria: Ambry Variant Classification Scheme 2023. Collection method: clinical testing. Allele origin: germline.

PreventionGenetics, part of Exact Sciences
Classification: Likely benign for ACTC1-related condition. Last evaluated: 2021-03-02. Review status: no assertion criteria provided. Collection method: clinical testing. Allele origin: germline. Not counted in ClinVar's aggregate classification.
Comment: This variant is classified as likely benign based on ACMG/AMP sequence variant interpretation guidelines (Richards et al. 2015 PMID: 25741868, with internal and published modifications).